The following is an entry in ClinVar:

ClinVar aggregate classification (germline): Uncertain significance (1 of 4 stars; one submission).

Conditions:
Cohen syndrome (COH1). Also called: Cutis verticis gyrata, retinitis pigmentosa, and sensorineural deafness; PEPPER SYNDROME. Identifiers: Orphanet 193, MedGen C0265223, MONDO:0008999, OMIM 216550.

Allele frequency attached by ClinVar (database versions not stated): gnomAD exomes below 0.00001; TOPMed below 0.00001; ExAC 0.00001.
gnomAD v4.1: 1 of 1,614,040 alleles (0.000062%); highest among the groups gnomAD compares: Non-Finnish European, 0.000085%; no homozygotes.

Submission:

Labcorp Genetics (formerly Invitae), Labcorp
Classification: Uncertain significance for Cohen syndrome. Last evaluated: 2022-08-15. Review status: criteria provided, single submitter. Criteria: Invitae Variant Classification Sherloc (09022015). Collection method: clinical testing. Allele origin: germline.
Comment: This sequence change replaces tryptophan, which is neutral and slightly polar, with glycine, which is neutral and non-polar, at codon 963 of the VPS13B protein (p.Trp963Gly). This variant is present in population databases (rs761581467, gnomAD 0.0009%). This variant has not been reported in the literature in individuals affected with VPS13B-related conditions. ClinVar contains an entry for this variant (Variation ID: 1423614). Algorithms developed to predict the effect of missense changes on protein structure and function are either unavailable or do not agree on the potential impact of this missense change (SIFT: "Not Available"; PolyPhen-2: "Possibly Damaging"; Align-GVGD: "Not Available"). In summary, the available evidence is currently insufficient to determine the role of this variant in disease. Therefore, it has been classified as a Variant of Uncertain Significance.

NM_152564.5(VPS13B):c.2887T>G (p.Trp963Gly)

Gene: VPS13B (vacuolar protein sorting 13 homolog B; plus strand). Cytogenetic location: 8q22.2.
Variant type: single nucleotide variant.
Coding change: c.2887T>G on transcript NM_152564.5 (MANE Select); coding-DNA position 2887, T replaced by G.
Protein change: p.Trp963Gly; replaces tryptophan 963 with glycine.
Molecular consequence: missense variant.
Genome position (GRCh38, 1-based): chr8:99,384,270, T>G. VCF-style: chr8-99384270-T-G. GRCh37 (hg19) VCF-style: chr8-100396498-T-G.
Other names: c.2887T>G, p.Trp963Gly (NM_017890.5); short protein forms W963G.
Identifiers: ClinVar variation 1423614 (VCV001423614.8), dbSNP rs761581467, ClinGen allele CA4823079.
Genomic context (GRCh38, chr8:99,384,270, plus strand): 5'-GCTGTACTTCTTTGCAGTATACAAGGACTAGCAGTTAATATTGACCCAATCTTATATACG[T>G]GGCTCATCTATCAGCCTCAGAAACGAACAAGTAGACATATGCAACAGGTAAGAGATTTTT-3'
Protein context (NP_689777.3, residues 953-973): AVNIDPILYT[Trp963Gly]LIYQPQKRTS